The following is an entry in ClinVar:

ClinVar aggregate classification (germline): Uncertain significance (1 of 4 stars; one submission).

Allele frequency attached by ClinVar (database versions not stated): gnomAD exomes below 0.00001.
gnomAD v4.1: 1 of 1,613,646 alleles (0.000062%); highest among the groups gnomAD compares: Admixed American, 0.0017%; no homozygotes.

Submission:

Labcorp Genetics (formerly Invitae), Labcorp
Classification: Uncertain significance. Last evaluated: 2022-08-21. Review status: criteria provided, single submitter. Criteria: Invitae Variant Classification Sherloc (09022015). Collection method: clinical testing. Allele origin: germline.
Comment: This sequence change replaces alanine, which is neutral and non-polar, with valine, which is neutral and non-polar, at codon 1385 of the GPR179 protein (p.Ala1385Val). This variant is not present in population databases (gnomAD no frequency). This variant has not been reported in the literature in individuals affected with GPR179-related conditions. Algorithms developed to predict the effect of missense changes on protein structure and function output the following: SIFT: "Tolerated"; PolyPhen-2: "Benign"; Align-GVGD: "Class C0". The valine amino acid residue is found in multiple mammalian species, which suggests that this missense change does not adversely affect protein function. In summary, the available evidence is currently insufficient to determine the role of this variant in disease. Therefore, it has been classified as a Variant of Uncertain Significance.

NM_001004334.4(GPR179):c.4154C>T (p.Ala1385Val)

Gene: GPR179 (G protein-coupled receptor 179; minus strand). Cytogenetic location: 17q12.
Variant type: single nucleotide variant.
Coding change: c.4154C>T on transcript NM_001004334.4 (MANE Select); coding-DNA position 4154, C replaced by T.
Protein change: p.Ala1385Val; replaces alanine 1385 with valine.
Molecular consequence: missense variant.
Genome position (GRCh38, 1-based): chr17:38,329,415, G>A on the plus strand (C>T on the coding strand, the complement: GPR179 is on the minus strand). VCF-style: chr17-38329415-G-A. GRCh37 (hg19) VCF-style: chr17-36485298-G-A.
Other names: short protein forms A1385V.
Identifiers: ClinVar variation 1717458 (VCV001717458.3), dbSNP rs2512159697, ClinGen allele CA398877508.